The following is an entry in ClinVar:

ClinVar aggregate classification (germline): Likely benign. Review status: criteria provided, multiple submitters, no conflicts (2 of 4 stars). 2 submissions from 2 submitters: Likely benign (2). Last evaluated 2022-04-08.

Conditions:
Neuronal ceroid lipofuscinosis. Also called: Neuronal Ceroid Lipofuscinoses. Identifiers: Orphanet 216, Orphanet 79263, MedGen C0027877, MONDO:0016295. Disease mechanism: loss of function.

Allele frequency attached by ClinVar (database versions not stated): gnomAD exomes below 0.00001.
gnomAD v4.1: 2 of 1,614,232 alleles (0.00012%); highest among the groups gnomAD compares: Admixed American, 0.0017%; no homozygotes.

Submissions (2):

Labcorp Genetics (formerly Invitae), Labcorp
Classification: Likely benign for Neuronal ceroid lipofuscinosis. Last evaluated: 2022-04-08. Review status: criteria provided, single submitter. Criteria: Invitae Variant Classification Sherloc (09022015). Collection method: clinical testing. Allele origin: germline.

GeneDx
Classification: Likely benign. Last evaluated: 2015-11-02. Review status: criteria provided, single submitter. Criteria: GeneDx Variant Classification (06012015). Collection method: clinical testing. Allele origin: germline. Affected: yes.
Comment: This variant is considered likely benign or benign based on one or more of the following criteria: it is a conservative change, it occurs at a poorly conserved position in the protein, it is predicted to be benign by multiple in silico algorithms, and/or has population frequency not consistent with disease.

NM_018941.4(CLN8):c.297G>A (p.Gln99=)

Gene: CLN8 (CLN8 transmembrane ER and ERGIC protein; plus strand). Cytogenetic location: 8p23.3.
Variant type: single nucleotide variant.
Coding change: c.297G>A on transcript NM_018941.4 (MANE Select); coding-DNA position 297, G replaced by A.
Protein change: p.Gln99=; no amino-acid change (glutamine 99 retained).
Molecular consequence: synonymous variant.
Genome position (GRCh38, 1-based): chr8:1,771,351, G>A. VCF-style: chr8-1771351-G-A. GRCh37 (hg19) VCF-style: chr8-1719517-G-A.
Identifiers: ClinVar variation 381263 (VCV000381263.8), dbSNP rs1057521001, ClinGen allele CA16605469.